The following is an entry in ClinVar:

ClinVar aggregate classification (germline): Uncertain significance. Review status: criteria provided, multiple submitters, no conflicts (2 of 4 stars). 2 submissions from 2 submitters: Uncertain significance (2). Last evaluated 2026-04-27.

Conditions:
Hereditary cancer-predisposing syndrome. Also called: Neoplastic Syndromes, Hereditary; Tumor predisposition; Hereditary Cancer Syndrome; Hereditary neoplastic syndrome. Identifiers: Orphanet 140162, MedGen C0027672, MeSH D009386, MONDO:0015356.

Submissions (2):

Ambry Genetics
Classification: Uncertain significance for Hereditary cancer-predisposing syndrome. Last evaluated: 2026-04-27. Review status: criteria provided, single submitter. Criteria: Ambry Variant Classification Scheme 2023. Collection method: clinical testing. Allele origin: germline.
Comment: The p.M506T variant (also known as c.1517T>C), located in coding exon 10 of the FH gene, results from a T to C substitution at nucleotide position 1517. The methionine at codon 506 is replaced by threonine, an amino acid with similar properties. This amino acid position is highly conserved in available vertebrate species. In addition, this alteration is predicted to be deleterious by in silico analysis. Based on the available evidence, the clinical significance of this variant remains unclear.

Labcorp Genetics (formerly Invitae), Labcorp
Classification: Uncertain significance. Last evaluated: 2024-06-05. Review status: criteria provided, single submitter. Criteria: Invitae Variant Classification Sherloc (09022015). Collection method: clinical testing. Allele origin: germline.
Comment: This sequence change replaces methionine, which is neutral and non-polar, with threonine, which is neutral and polar, at codon 506 of the FH protein (p.Met506Thr). This variant is not present in population databases (gnomAD no frequency). This variant has not been reported in the literature in individuals affected with FH-related conditions. Advanced modeling of protein sequence and biophysical properties (such as structural, functional, and spatial information, amino acid conservation, physicochemical variation, residue mobility, and thermodynamic stability) performed at Invitae indicates that this missense variant is expected to disrupt FH protein function with a positive predictive value of 95%. In summary, the available evidence is currently insufficient to determine the role of this variant in disease. Therefore, it has been classified as a Variant of Uncertain Significance.

NM_000143.4(FH):c.1517T>C (p.Met506Thr)

Gene: FH (fumarate hydratase; minus strand). Cytogenetic location: 1q43.
Variant type: single nucleotide variant.
Coding change: c.1517T>C on transcript NM_000143.4 (MANE Select); coding-DNA position 1517, T replaced by C.
Protein change: p.Met506Thr; replaces methionine 506 with threonine.
Molecular consequence: missense variant.
Genome position (GRCh38, 1-based): chr1:241,497,844, A>G on the plus strand (T>C on the coding strand, the complement: FH is on the minus strand). VCF-style: chr1-241497844-A-G. GRCh37 (hg19) VCF-style: chr1-241661144-A-G.
Other names: short protein forms M506T.
Identifiers: ClinVar variation 3278731 (VCV003278731.4).